The following is an entry in ClinVar:

NM_000059.4(BRCA2):c.7698T>G (p.Asp2566Glu)

Gene: BRCA2 (BRCA2 DNA repair associated; plus strand). Cytogenetic location: 13q13.1.
Variant type: single nucleotide variant.
Coding change: c.7698T>G on transcript NM_000059.4 (MANE Select); coding-DNA position 7698, T replaced by G.
Protein change: p.Asp2566Glu; replaces aspartic acid 2566 with glutamic acid.
Molecular consequence: missense variant.
Genome position (GRCh38, 1-based): chr13:32,357,822, T>G. VCF-style: chr13-32357822-T-G. GRCh37 (hg19) VCF-style: chr13-32931959-T-G.
Other names: short protein forms D2566E.
Identifiers: ClinVar variation 827199 (VCV000827199.15), dbSNP rs1593920849, ClinGen allele CA387745234.

ClinVar aggregate classification (germline): Conflicting classifications of pathogenicity. Review status: criteria provided, conflicting classifications (1 of 4 stars). 4 submissions from 4 submitters: Uncertain significance (3); Likely benign (1). Last evaluated 2025-05-15.

Conditions:
Hereditary breast ovarian cancer syndrome. Also called: Hereditary breast and ovarian cancer syndrome (HBOC); BRCA1- and BRCA2-Associated Hereditary Breast and Ovarian Cancer; Hereditary breast and ovarian cancer syndrome; Breast and ovarian cancer; Hereditary breast and/or ovarian cancer syndrome; Hereditary breast and ovarian cancer. Identifiers: Orphanet 145, MedGen C0677776, MeSH D061325, MONDO:0003582. Disease mechanism: loss of function.
Hereditary cancer-predisposing syndrome. Also called: Neoplastic Syndromes, Hereditary; Hereditary Cancer Syndrome; Hereditary neoplastic syndrome; Tumor predisposition. Identifiers: Orphanet 140162, MedGen C0027672, MeSH D009386, MONDO:0015356.
Breast-ovarian cancer, familial, susceptibility to, 2 (BROVCA2). Also called: BRCA2 Hereditary Breast and Ovarian Cancer. Identifiers: Orphanet 145, MedGen C2675520, MONDO:0012933, OMIM 612555. Disease mechanism: loss of function.

Submissions (4):

Ambry Genetics
Classification: Likely benign for Hereditary cancer-predisposing syndrome. Last evaluated: 2025-05-15. Review status: criteria provided, single submitter. Criteria: Ambry Variant Classification Scheme 2023. Collection method: clinical testing. Allele origin: germline.

All of Us Research Program, National Institutes of Health
Classification: Uncertain significance for Breast-ovarian cancer, familial, susceptibility to, 2. Last evaluated: 2023-11-20. Review status: criteria provided, single submitter. Criteria: ACMG Guidelines, 2015. Collection method: clinical testing. Allele origin: germline. Inheritance: Autosomal dominant inheritance. Observed: 1 variant allele, 1 heterozygote.
Comment: This missense variant replaces aspartic acid with glutamic acid at codon 2566 of the BRCA2 protein. Computational prediction is inconclusive regarding the impact of this variant on protein structure and function (internally defined REVEL score threshold 0.5 < inconclusive < 0.7, PMID: 27666373). A functional study has shown that this variant does not impact BRCA2-DDS1 binding (PMID: 30696104). This variant has been reported in individuals with a personal or family history of BRCA2-related cancer (PMID: 29020660, 35150867). This variant has not been identified in the general population by the Genome Aggregation Database (gnomAD). The available evidence is insufficient to determine the role of this variant in disease conclusively. Therefore, this variant is classified as a Variant of Uncertain Significance.

This study involves interpretation of variants in research participants for the purpose of population health screening. Participant phenotype was not available at the time of variant classification. Additional details can be found in publication PMID: 35346344, PMCID: PMC8962531

Color Diagnostics, LLC DBA Color Health
Classification: Uncertain significance for Hereditary cancer-predisposing syndrome. Last evaluated: 2023-11-02. Review status: criteria provided, single submitter. Criteria: ACMG Guidelines, 2015. Collection method: clinical testing. Allele origin: germline.
Comment: This missense variant replaces aspartic acid with glutamic acid at codon 2566 of the BRCA2 protein. Computational prediction is inconclusive regarding the impact of this variant on protein structure and function. A functional study has shown that this variant does not impact BRCA2-DDS1 binding (PMID: 30696104). This variant has been reported in individuals with a personal or family history of BRCA2-related cancer (PMID: 29020660, 35150867). This variant has not been identified in the general population by the Genome Aggregation Database (gnomAD). The available evidence is insufficient to determine the role of this variant in disease conclusively. Therefore, this variant is classified as a Variant of Uncertain Significance.

Labcorp Genetics (formerly Invitae), Labcorp
Classification: Uncertain significance for Hereditary breast ovarian cancer syndrome. Last evaluated: 2020-03-05. Review status: criteria provided, single submitter. Criteria: Invitae Variant Classification Sherloc (09022015). Collection method: clinical testing. Allele origin: germline.
Comment: This sequence change replaces aspartic acid with glutamic acid at codon 2566 of the BRCA2 protein (p.Asp2566Glu). The aspartic acid residue is moderately conserved and there is a small physicochemical difference between aspartic acid and glutamic acid. This variant is not present in population databases (ExAC no frequency). This variant has been observed in individual(s) with clinical features of hereditary breast and ovarian cancer syndrome (PMID: 29020660). Algorithms developed to predict the effect of missense changes on protein structure and function are either unavailable or do not agree on the potential impact of this missense change (SIFT: "Tolerated"; PolyPhen-2: "Possibly Damaging"; Align-GVGD: "Class C0"). In summary, the available evidence is currently insufficient to determine the role of this variant in disease. Therefore, it has been classified as a Variant of Uncertain Significance.

Literature cited by the submitters: PubMed 29020660 (cited by 4 submitters); PubMed 30696104 (cited by All of Us Research Program, National Institutes of Health and Color Diagnostics, LLC DBA Color Health); PubMed 35150867 (cited by All of Us Research Program, National Institutes of Health and Color Diagnostics, LLC DBA Color Health).